The following is an entry in ClinVar:

NM_145239.3(PRRT2):c.961C>G (p.Leu321Val)

Genes: MVP-DT (MVP divergent transcript; minus strand), PRRT2 (proline rich transmembrane protein 2; plus strand). Cytogenetic location: 16p11.2.
Variant type: single nucleotide variant.
Coding change: c.961C>G on transcript NM_145239.3 (MANE Select); coding-DNA position 961, C replaced by G.
Protein change: p.Leu321Val; replaces leucine 321 with valine.
Molecular consequence: missense variant. On other transcripts: 3 prime UTR variant (1).
Genome position (GRCh38, 1-based): chr16:29,814,414, C>G. VCF-style: chr16-29814414-C-G. GRCh37 (hg19) VCF-style: chr16-29825735-C-G.
Other names: c.961C>G, p.Leu321Val (NM_001256442.2); c.*460C>G (NM_001256443.2); short protein forms L321V.
Identifiers: ClinVar variation 2091692 (VCV002091692.4), dbSNP rs756741951, ClinGen allele CA395480716.

ClinVar aggregate classification (germline): Uncertain significance (1 of 4 stars; one submission).

Conditions:
Episodic kinesigenic dyskinesia (EKD). Also called: Paroxysmal kinesigenic dyskinesia. Identifiers: Orphanet 98809, MedGen C1868682, MONDO:0044202.

Submission:

Labcorp Genetics (formerly Invitae), Labcorp
Classification: Uncertain significance for Episodic kinesigenic dyskinesia. Last evaluated: 2022-02-02. Review status: criteria provided, single submitter. Criteria: Invitae Variant Classification Sherloc (09022015). Collection method: clinical testing. Allele origin: germline.
Comment: Algorithms developed to predict the effect of missense changes on protein structure and function are either unavailable or do not agree on the potential impact of this missense change (SIFT: "Deleterious"; PolyPhen-2: "Probably Damaging"; Align-GVGD: "Class C0"). In summary, the available evidence is currently insufficient to determine the role of this variant in disease. Therefore, it has been classified as a Variant of Uncertain Significance. This variant has not been reported in the literature in individuals affected with PRRT2-related conditions. This variant is not present in population databases (gnomAD no frequency). This sequence change replaces leucine, which is neutral and non-polar, with valine, which is neutral and non-polar, at codon 321 of the PRRT2 protein (p.Leu321Val).